The following is an entry in ClinVar:

ClinVar aggregate classification (germline): Likely benign. Review status: criteria provided, multiple submitters, no conflicts (2 of 4 stars). 2 submissions from 2 submitters: Likely benign (2). Last evaluated 2025-06-03.

Allele frequency attached by ClinVar (database versions not stated): gnomAD 0.00006; TOPMed 0.00006; gnomAD exomes 0.00009 and 0.00010; ExAC 0.00013; ESP Exome Variant Server 0.00016.
gnomAD v4.1: 154 of 1,613,730 alleles (0.0095%); highest among the groups gnomAD compares: Middle Eastern, 0.049%; no homozygotes.

Submissions (2):

Labcorp Genetics (formerly Invitae), Labcorp
Classification: Likely benign. Last evaluated: 2025-06-03. Review status: criteria provided, single submitter. Criteria: Invitae Variant Classification Sherloc (09022015). Collection method: clinical testing. Allele origin: germline.

Laboratory for Molecular Medicine, Mass General Brigham Personalized Medicine
Classification: Likely benign. Last evaluated: 2012-04-30. Review status: criteria provided, single submitter. Criteria: LMM Criteria. Collection method: clinical testing. Allele origin: germline. Observed: 1 variant allele.
Comment: Leu1303Leu in Exon 06 of MYO15A: This variant is not expected to have clinical s ignificance because it does not alter an amino acid residue, is not located with in the splice consensus sequence, and has been identified in 2/6764 European Ame rican chromosomes from a broad population by the NHLBI Exome Sequencing Project.

NM_016239.4(MYO15A):c.3909C>T (p.Leu1303=)

Gene: MYO15A (myosin XVA; plus strand). Cytogenetic location: 17p11.2.
Variant type: single nucleotide variant.
Coding change: c.3909C>T on transcript NM_016239.4 (MANE Select); coding-DNA position 3909, C replaced by T.
Protein change: p.Leu1303=; no amino-acid change (leucine 1303 retained).
Molecular consequence: synonymous variant.
Genome position (GRCh38, 1-based): chr17:18,126,833, C>T. VCF-style: chr17-18126833-C-T. GRCh37 (hg19) VCF-style: chr17-18030147-C-T.
Identifiers: ClinVar variation 164517 (VCV000164517.11), dbSNP rs377070697, ClinGen allele CA177219.